The following is an entry in ClinVar:

ClinVar aggregate classification (germline): Pathogenic (1 of 4 stars; one submission).

Conditions:
Inborn genetic diseases. Identifiers: MedGen C0950123, MeSH D030342.

Submission:

Ambry Genetics
Classification: Pathogenic for Inborn genetic diseases. Last evaluated: 2025-06-06. Review status: criteria provided, single submitter. Criteria: Ambry Variant Classification Scheme 2023. Collection method: clinical testing. Allele origin: germline.
Comment: The c.1725dupA (p.H576Tfs*26) alteration, located in exon 4 (coding exon 3) of the TRPS1 gene, consists of a duplication of A at position 1725, causing a translational frameshift with a predicted alternate stop codon after 26 amino acids. This alteration is expected to result in loss of function by premature protein truncation or nonsense-mediated mRNA decay. This variant was not reported in population-based cohorts in the Genome Aggregation Database (gnomAD). Based on the available evidence, this alteration is classified as pathogenic.

NM_014112.5(TRPS1):c.1725dup (p.His576fs)

Gene: TRPS1 (transcriptional repressor GATA binding 1; minus strand). Cytogenetic location: 8q23.3.
Variant type: Duplication.
Coding change: c.1725dup on transcript NM_014112.5 (MANE Select); coding-DNA position 1725, one base duplicated (A; older notation c.1725dupA).
Protein change: p.His576fs; shifts the reading frame from histidine 576.
Molecular consequence: frameshift variant.
Genome position (GRCh38, 1-based): chr8:115,604,244, T duplicated on the plus strand (A on the coding strand, the reverse complement: TRPS1 is on the minus strand); the first of 3 consecutive T bases (chr8:115,604,244-115,604,246); duplicating any one gives the same sequence. VCF-style (leftmost placement, unchanged base first): chr8-115604243-G-GT. GRCh37 (hg19) VCF-style: chr8-116616470-G-GT.
Other names: c.1698dup, p.His567fs (NM_001282902.3); c.1704dup, p.His569fs (NM_001282903.3); c.1686dup, p.His563fs (NM_001330599.2); short protein forms H563fs, H567fs, H569fs, H576fs.
Identifiers: ClinVar variation 3974401 (VCV003974401.1).
Genomic context (GRCh38, chr8:115,604,243, plus strand): 5'-AAGTAATTTCTCCAAGGTGCTTTTCTGGGCTGCAAAGTCCTCTGGGACAGAATGGACAGT[G>GT]TTTAATGGTACACTTGTGAATGTTATGGAGCTGTTGATAATGACGGAGAAGTGGCCCCAC-3'